The following is an entry in ClinVar:

ClinVar aggregate classification (germline): Uncertain significance (1 of 4 stars; one submission).

Submission:

Labcorp Genetics (formerly Invitae), Labcorp
Classification: Uncertain significance. Last evaluated: 2025-05-14. Review status: criteria provided, single submitter. Criteria: Invitae Variant Classification Sherloc (09022015). Collection method: clinical testing. Allele origin: germline.
Comment: This sequence change replaces glutamine, which is neutral and polar, with glutamic acid, which is acidic and polar, at codon 196 of the TRIM8 protein (p.Gln196Glu). This variant is not present in population databases (gnomAD no frequency). This variant has not been reported in the literature in individuals affected with TRIM8-related conditions. An algorithm developed to predict the effect of missense changes on protein structure and function (PolyPhen-2) suggests that this variant is likely to be disruptive. In summary, the available evidence is currently insufficient to determine the role of this variant in disease. Therefore, it has been classified as a Variant of Uncertain Significance.

NM_030912.3(TRIM8):c.586C>G (p.Gln196Glu)

Gene: TRIM8 (tripartite motif containing 8; plus strand). Cytogenetic location: 10q24.32.
Variant type: single nucleotide variant.
Coding change: c.586C>G on transcript NM_030912.3 (MANE Select); coding-DNA position 586, C replaced by G.
Protein change: p.Gln196Glu; replaces glutamine 196 with glutamic acid.
Molecular consequence: missense variant. On other transcripts: non-coding transcript variant (1), intron variant (1).
Genome position (GRCh38, 1-based): chr10:102,654,668, C>G. VCF-style: chr10-102654668-C-G. GRCh37 (hg19) VCF-style: chr10-104414425-C-G.
Other names: c.571-412C>G (NM_001345950.1); short protein forms Q196E.
Identifiers: ClinVar variation 4768674 (VCV004768674.1).